The following is an entry in ClinVar:

NM_024598.4(USB1):c.550G>C (p.Asp184His)

Gene: USB1 (U6 snRNA biogenesis phosphodiesterase 1; plus strand). Cytogenetic location: 16q21.
Variant type: single nucleotide variant.
Coding change: c.550G>C on transcript NM_024598.4 (MANE Select); coding-DNA position 550, G replaced by C.
Protein change: p.Asp184His; replaces aspartic acid 184 with histidine.
Molecular consequence: missense variant.
Genome position (GRCh38, 1-based): chr16:58,017,380, G>C. VCF-style: chr16-58017380-G-C. GRCh37 (hg19) VCF-style: chr16-58051284-G-C.
Other names: c.496G>C, p.Asp166His (NM_001195302.2); c.397G>C, p.Asp133His (NM_001330568.2); short protein forms D133H, D166H, D184H.
Identifiers: ClinVar variation 3978175 (VCV003978175.1).

ClinVar aggregate classification (germline): Uncertain significance (1 of 4 stars; one submission).

Conditions:
Inborn genetic diseases. Identifiers: MedGen C0950123, MeSH D030342.

Submission:

Ambry Genetics
Classification: Uncertain significance for Inborn genetic diseases. Last evaluated: 2025-05-17. Review status: criteria provided, single submitter. Criteria: Ambry Variant Classification Scheme 2023. Collection method: clinical testing. Allele origin: germline.
Comment: The p.D184H variant (also known as c.550G>C), located in coding exon 5 of the USB1 gene, results from a G to C substitution at nucleotide position 550. The aspartic acid at codon 184 is replaced by histidine, an amino acid with similar properties. This amino acid position is conserved. In addition, this alteration is predicted to be tolerated by in silico analysis. Based on the available evidence, the clinical significance of this variant remains unclear.